The following is an entry in ClinVar:

NM_000093.5(COL5A1):c.343T>A (p.Phe115Ile)

Gene: COL5A1 (collagen type V alpha 1 chain; plus strand). Cytogenetic location: 9q34.3.
Variant type: single nucleotide variant.
Coding change: c.343T>A on transcript NM_000093.5 (MANE Select); coding-DNA position 343, T replaced by A.
Protein change: p.Phe115Ile; replaces phenylalanine 115 with isoleucine.
Molecular consequence: missense variant.
Genome position (GRCh38, 1-based): chr9:134,699,974, T>A. VCF-style: chr9-134699974-T-A. GRCh37 (hg19) VCF-style: chr9-137591820-T-A.
Other names: c.343T>A, p.Phe115Ile (NM_001278074.1); short protein forms F115I.
Identifiers: ClinVar variation 574186 (VCV000574186.8), dbSNP rs1564396163, ClinGen allele CA375442686.
Genomic context (GRCh38, chr9:134,699,974, plus strand): 5'-GCATTTCCCGAGGACTTCTCCATCCTAACAACTGTGAAAGCCAAGAAAGGCAGCCAGGCC[T>A]TCCTGGTCTCCATCTACAACGAGCAGGGTATCCAGCAGATTGGGCTGGAGCTGGGCCGCT-3'
Protein context (NP_000084.3, residues 105-125): TVKAKKGSQA[Phe115Ile]LVSIYNEQGI

ClinVar aggregate classification (germline): Uncertain significance (1 of 4 stars; one submission).

Conditions:
Ehlers-Danlos syndrome, classic type, 1 (EDSCL1). Also called: Ehlers-Danlos Syndrome, Classic Type, COL5A1-Related; EDS I; Ehlers-Danlos syndrome, type 1; EHLERS-DANLOS SYNDROME, GRAVIS TYPE; EHLERS-DANLOS SYNDROME, SEVERE CLASSIC TYPE. Identifiers: MedGen C0268335, MONDO:0019567, OMIM 130000.

Allele frequency attached by ClinVar (database versions not stated): gnomAD exomes below 0.00001.
gnomAD v4.1: 1 of 1,613,946 alleles (0.000062%); highest among the groups gnomAD compares: Non-Finnish European, 0.000085%; no homozygotes.

Submission:

Labcorp Genetics (formerly Invitae), Labcorp
Classification: Uncertain significance for Ehlers-Danlos syndrome, classic type, 1. Last evaluated: 2025-07-13. Review status: criteria provided, single submitter. Criteria: Invitae Variant Classification Sherloc (09022015). Collection method: clinical testing. Allele origin: germline.
Comment: This sequence change replaces phenylalanine, which is neutral and non-polar, with isoleucine, which is neutral and non-polar, at codon 115 of the COL5A1 protein (p.Phe115Ile). This variant is not present in population databases (gnomAD no frequency). This variant has not been reported in the literature in individuals affected with COL5A1-related conditions. ClinVar contains an entry for this variant (Variation ID: 574186). Invitae Evidence Modeling of protein sequence and biophysical properties (such as structural, functional, and spatial information, amino acid conservation, physicochemical variation, residue mobility, and thermodynamic stability) indicates that this missense variant is not expected to disrupt COL5A1 protein function with a negative predictive value of 95%. In summary, the available evidence is currently insufficient to determine the role of this variant in disease. Therefore, it has been classified as a Variant of Uncertain Significance.